The following is an entry in ClinVar:

ClinVar aggregate classification (germline): Uncertain significance (1 of 4 stars; one submission).

gnomAD v4.1: 6 of 1,541,624 alleles (0.00039%); highest among the groups gnomAD compares: Non-Finnish European, 0.00053%; no homozygotes.

Submission:

GeneDx
Classification: Uncertain significance. Last evaluated: 2025-10-02. Review status: criteria provided, single submitter. Criteria: GeneDx Variant Classification Process June 2021. Collection method: clinical testing. Allele origin: germline.
Comment: Not observed at significant frequency in large population cohorts (gnomAD); In silico analysis suggests that this missense variant does not alter protein structure/function; Has not been previously published as pathogenic or benign to our knowledge

NM_016030.6(TRAPPC12):c.10G>A (p.Ala4Thr)

Gene: TRAPPC12 (trafficking protein particle complex subunit 12; plus strand). Cytogenetic location: 2p25.3.
Variant type: single nucleotide variant.
Coding change: c.10G>A on transcript NM_016030.6 (MANE Select); coding-DNA position 10, G replaced by A.
Protein change: p.Ala4Thr; replaces alanine 4 with threonine.
Molecular consequence: missense variant.
Genome position (GRCh38, 1-based): chr2:3,387,633, G>A. VCF-style: chr2-3387633-G-A. GRCh37 (hg19) VCF-style: chr2-3391404-G-A.
Other names: c.10G>A, p.Ala4Thr (NM_001321102.2); short protein forms A4T.
Identifiers: ClinVar variation 3774150 (VCV003774150.2).